The following is an entry in ClinVar:

ClinVar aggregate classification (germline): Likely benign. Review status: criteria provided, multiple submitters, no conflicts (2 of 4 stars). 2 submissions from 2 submitters: Likely benign (2). Last evaluated 2025-08-11.

Conditions:
SLC4A11-related disorder. Also called: SLC4A11-related condition.

Allele frequency attached by ClinVar (database versions not stated): gnomAD 0.00001; ExAC 0.00002; TOPMed 0.00002.
gnomAD v4.1: 14 of 1,613,890 alleles (0.00087%); highest among the groups gnomAD compares: Admixed American, 0.0017%; no homozygotes.

Submissions (2):

PreventionGenetics, part of Exact Sciences
Classification: Likely benign for SLC4A11-related condition. Last evaluated: 2025-08-11. Review status: criteria provided, single submitter. Criteria: ACMG Guidelines, 2015. Collection method: clinical testing. Allele origin: germline.
Comment: This variant is classified as likely benign based on ACMG/AMP sequence variant interpretation guidelines (Richards et al. 2015 PMID: 25741868, with internal and published modifications).

Labcorp Genetics (formerly Invitae), Labcorp
Classification: Likely benign. Last evaluated: 2024-03-06. Review status: criteria provided, single submitter. Criteria: Invitae Variant Classification Sherloc (09022015). Collection method: clinical testing. Allele origin: germline.

NM_001174089.2(SLC4A11):c.978T>C (p.Phe326=)

Gene: SLC4A11 (solute carrier family 4 member 11; minus strand). Cytogenetic location: 20p13.
Variant type: single nucleotide variant.
Coding change: c.978T>C on transcript NM_001174089.2 (MANE Select); coding-DNA position 978, T replaced by C.
Protein change: p.Phe326=; no amino-acid change (phenylalanine 326 retained).
Molecular consequence: synonymous variant. On other transcripts: non-coding transcript variant (1).
Genome position (GRCh38, 1-based): chr20:3,231,213, A>G on the plus strand (T>C on the coding strand, the complement: SLC4A11 is on the minus strand). VCF-style: chr20-3231213-A-G. GRCh37 (hg19) VCF-style: chr20-3211859-A-G.
Other names: c.1107T>C, p.Phe369= (NM_001174090.2); c.978T>C, p.Phe326= (NM_001363745.2); c.1026T>C, p.Phe342= (NM_032034.4).
Identifiers: ClinVar variation 734247 (VCV000734247.9), dbSNP rs374803244, ClinGen allele CA9742046.